The following is an entry in ClinVar:

NM_004329.3(BMPR1A):c.869-14C>T

Gene: BMPR1A (bone morphogenetic protein receptor type 1A; plus strand). Cytogenetic location: 10q23.2.
Variant type: single nucleotide variant.
Coding change: c.869-14C>T on transcript NM_004329.3 (MANE Select); 14 bases into the intron before coding-DNA position 869, C replaced by T.
Molecular consequence: intron variant.
Genome position (GRCh38, 1-based): chr10:86,919,158, C>T. VCF-style: chr10-86919158-C-T. GRCh37 (hg19) VCF-style: chr10-88678915-C-T.
Identifiers: ClinVar variation 1539112 (VCV001539112.9), dbSNP rs527270742, ClinGen allele CA5585627.

ClinVar aggregate classification (germline): Likely benign. Review status: criteria provided, multiple submitters, no conflicts (2 of 4 stars). 2 submissions from 2 submitters: Likely benign (2). Last evaluated 2025-10-23.

Conditions:
Juvenile polyposis syndrome (JPS). Identifiers: Orphanet 2929, MedGen C0345893, MONDO:0017380, OMIM 174900.

Allele frequency attached by ClinVar (database versions not stated): gnomAD exomes below 0.00001 and 0.00001; gnomAD 0.00001; TOPMed 0.00001; ExAC 0.00002; 1000 Genomes Project 30x 0.00016; 1000 Genomes Project 0.00020.
gnomAD v4.1: 4 of 1,613,838 alleles (0.00025%); highest among the groups gnomAD compares: African/African-American, 0.0013%; no homozygotes.

Submissions (2):

Labcorp Genetics (formerly Invitae), Labcorp
Classification: Likely benign for Juvenile polyposis syndrome. Last evaluated: 2025-10-23. Review status: criteria provided, single submitter. Criteria: Invitae Variant Classification Sherloc (09022015). Collection method: clinical testing. Allele origin: germline.

Myriad Genetics, Inc.
Classification: Likely benign for Juvenile polyposis syndrome. Last evaluated: 2024-08-05. Review status: criteria provided, single submitter. Criteria: Myriad Autosomal Dominant, Autosomal Recessive and X-Linked Classification Criteria (2023). Collection method: clinical testing. Allele origin: unknown.
Comment: This variant is considered likely benign. This variant is intronic and is not expected to impact mRNA splicing.